The following is an entry in ClinVar:

ClinVar aggregate classification (germline): Uncertain significance (1 of 4 stars; one submission).

Conditions:
Glycogen storage disease IXb (GSD9B). Also called: PHOSPHORYLASE KINASE DEFICIENCY OF LIVER AND MUSCLE, AUTOSOMAL RECESSIVE; GLYCOGENOSIS OF LIVER AND MUSCLE, AUTOSOMAL RECESSIVE; GSD IXb. Identifiers: Orphanet 79240, MedGen C0543514, MONDO:0009868, OMIM 261750.

gnomAD v4.1: 11 of 1,613,740 alleles (0.00068%); highest among the groups gnomAD compares: Non-Finnish European, 0.00093%; no homozygotes.

Submission:

Labcorp Genetics (formerly Invitae), Labcorp
Classification: Uncertain significance for Glycogen storage disease IXb. Last evaluated: 2025-12-23. Review status: criteria provided, single submitter. Criteria: Invitae Variant Classification Sherloc (09022015). Collection method: clinical testing. Allele origin: germline.
Comment: This sequence change replaces isoleucine, which is neutral and non-polar, with threonine, which is neutral and polar, at codon 119 of the PHKB protein (p.Ile119Thr). This variant is present in population databases (no rsID available, gnomAD 0.003%). This variant has not been reported in the literature in individuals affected with PHKB-related conditions. An algorithm developed to predict the effect of missense changes on protein structure and function (PolyPhen-2) suggests that this variant is likely to be tolerated. In summary, the available evidence is currently insufficient to determine the role of this variant in disease. Therefore, it has been classified as a Variant of Uncertain Significance.

NM_000293.3(PHKB):c.356T>C (p.Ile119Thr)

Gene: PHKB (phosphorylase kinase regulatory subunit beta; plus strand). Cytogenetic location: 16q12.1.
Variant type: single nucleotide variant.
Coding change: c.356T>C on transcript NM_000293.3 (MANE Select); coding-DNA position 356, T replaced by C.
Protein change: p.Ile119Thr; replaces isoleucine 119 with threonine.
Molecular consequence: missense variant.
Genome position (GRCh38, 1-based): chr16:47,503,041, T>C. VCF-style: chr16-47503041-T-C. GRCh37 (hg19) VCF-style: chr16-47536952-T-C.
Other names: c.335T>C, p.Ile112Thr (NM_001031835.3); c.356T>C, p.Ile119Thr (NM_001363837.1); short protein forms I119T, I112T.
Identifiers: ClinVar variation 4751083 (VCV004751083.1).
Genomic context (GRCh38, chr16:47,503,041, plus strand): 5'-TCTCACCCAGGCGAATTGATGATGACAAGGGAAGGACCCATGAGCTGGAGCACTCAGCTA[T>C]AAAATGCATGAGAGGAATTCTCTACTGCTATATGCGTCAGGCCGATAAGGTAAAACATTG-3'
Protein context (NP_000284.1, residues 109-129): GRTHELEHSA[Ile119Thr]KCMRGILYCY